The following is an entry in ClinVar:

ClinVar aggregate classification (germline): Pathogenic/Likely pathogenic. Review status: criteria provided, multiple submitters, no conflicts (2 of 4 stars). 5 submissions from 5 submitters: Pathogenic (2); Likely pathogenic (3). Last evaluated 2026-10-09.

Conditions:
KCNJ11-related disorder. Also called: KCNJ11-related disorders; KCNJ11-related condition.
Familial hyperinsulinism. Also called: Congenital hyperinsulinism. Identifiers: Orphanet 276525, MedGen C3888018, MONDO:0017182. Disease mechanism: loss of function.

Allele frequency attached by ClinVar (database versions not stated): TOPMed below 0.00001; gnomAD exomes 0.00001; ExAC 0.00002.
gnomAD v4.1: 8 of 1,612,394 alleles (0.0005%); highest among the groups gnomAD compares: East Asian, 0.0067%; no homozygotes.

Submissions (5):

GeneDx
Classification: Likely pathogenic. Last evaluated: 2026-10-09. Review status: criteria provided, single submitter. Criteria: GeneDx Variant Classification Process June 2021. Collection method: clinical testing. Allele origin: germline.
Comment: In silico analysis supports that this missense variant has a deleterious effect on protein structure/function; This variant is associated with the following publications: (PMID: 12524280, 25555642, 29417725, 27908292, 35817008, 30026763, 40828772, 31464105, 31997554)

Women's Health and Genetics/Laboratory Corporation of America, LabCorp
Classification: Pathogenic for Familial hyperinsulinism. Last evaluated: 2025-06-13. Review status: criteria provided, single submitter. Criteria: LabCorp Variant Classification Summary - May 2015. Collection method: clinical testing. Allele origin: germline.
Comment: Variant summary: KCNJ11 c.616C>T (p.Arg206Cys) results in a non-conservative amino acid change in the encoded protein sequence. Algorithms developed to predict the effect of missense changes on protein structure and function all suggest that this variant is likely to be disruptive. The variant allele was found at a frequency of 1.2e-05 in 248626 control chromosomes. c.616C>T has been observed in individual(s) affected with Congenital Hyperinsulinism (Bennett_2014, Huerta-Saenz_2018, Salomon-Estebanez_2016). These data indicate that the variant may be associated with disease. Experimental studies have shown that this missense change affects KCNJ11 function (Ribalet_2003). Other variant(s) that disrupt this residue have been determined to be pathogenic (p.Arg206His). This suggests that this residue is clinically significant, and that variants that disrupt this residue are likely to be disease-causing. The following publications have been ascertained in the context of this evaluation (PMID: 30026763, 25555642, 27908292, 12524280). ClinVar contains an entry for this variant (Variation ID: 1338615). Based on the evidence outlined above, the variant was classified as pathogenic.

Labcorp Genetics (formerly Invitae), Labcorp
Classification: Pathogenic. Last evaluated: 2025-05-22. Review status: criteria provided, single submitter. Criteria: Invitae Variant Classification Sherloc (09022015). Collection method: clinical testing. Allele origin: germline.
Comment: This sequence change replaces arginine, which is basic and polar, with cysteine, which is neutral and slightly polar, at codon 206 of the KCNJ11 protein (p.Arg206Cys). This variant is present in population databases (rs775204908, gnomAD 0.01%). This missense change has been observed in individuals with autosomal dominant familial hyperinsulinism (PMID: 25555642, 27908292, 30026763). ClinVar contains an entry for this variant (Variation ID: 1338615). Invitae Evidence Modeling of protein sequence and biophysical properties (such as structural, functional, and spatial information, amino acid conservation, physicochemical variation, residue mobility, and thermodynamic stability) indicates that this missense variant is expected to disrupt KCNJ11 protein function with a positive predictive value of 95%. Experimental studies have shown that this missense change affects KCNJ11 function (PMID: 12524280). This variant disrupts the p.Arg206 amino acid residue in KCNJ11. Other variant(s) that disrupt this residue have been determined to be pathogenic (PMID: 31464105; internal data). This suggests that this residue is clinically significant, and that variants that disrupt this residue are likely to be disease-causing. For these reasons, this variant has been classified as Pathogenic.

Genetic Services Laboratory, University of Chicago
Classification: Likely pathogenic. Last evaluated: 2020-11-17. Review status: criteria provided, single submitter. Criteria: ACMG Guidelines, 2015. Collection method: clinical testing. Allele origin: germline. Affected: yes.
Comment: The p.Arg206Cys change affects a highly conserved amino acid residue located in a domain of the KCNJ11 protein that is known to be functional. The p.Arg206Cys substitution appears to be deleterious using several in-silico pathogenicity prediction tools (SIFT, PolyPhen2, Align GVGD, REVEL). This particular amino acid change has been described in a patient with neonatal hypoglycemia who was later diagnosed with diazoxide responsive congenital hyperinsulinism (PMID: 30026763). This variant was reported to be maternally inherited from a mother with uncontrolled gestational diabetes. It has also been reported in a family with congenital hyperinsulinism (CHI), other details not known (PMID: 25555642). Additionally, different sequence changes affecting the same amino acid residue (p.Arg206Leu and p.Arg206His) have also been described in patients with diazoxide responsive-CHI (PMIDs:31464105, 27908292). This sequence change has been described in the gnomAD database with a low population frequency of 0.0012% (dbSNP rs775204908).

Rady Children's Institute for Genomic Medicine, Rady Children's Hospital San Diego
Classification: Likely pathogenic for KCNJ11-related disorders. Review status: criteria provided, single submitter. Criteria: ACMG Guidelines, 2015. Collection method: clinical testing. Allele origin: germline. Affected: yes.
Comment: This variant has been previously reported as a heterozygous change in at least two individuals with congenital hyperinsulinism (PMID: 30026763, 25555642). Different amino acid changes at the same residue (p.Arg206His) and (p.Arg206Leu) have been previously reported in individuals with hyperinsulinism and diabetes (PMID: 31291970, 32027066, 27908292). The c.616C>T (p.Arg206Cys) variant is present in the heterozygous state in the gnomAD population database at a frequency of 0.001% (3/248626) and thus is presumed to be rare. The c.616C>T (p.Arg206Cys) variant affects a highly conserved amino acid and is predicted by multiple in silico tools to have a deleterious effect on protein function. Based on the available evidence, the c.616C>T (p.Arg206Cys) variant is classified as Likely Pathogenic.

Literature cited by the submitters: PubMed 12524280 (cited by Women's Health and Genetics/Laboratory Corporation of America, LabCorp and Labcorp Genetics (formerly Invitae), Labcorp); PubMed 25555642 (cited by Women's Health and Genetics/Laboratory Corporation of America, LabCorp and Labcorp Genetics (formerly Invitae), Labcorp); PubMed 27908292 (cited by Women's Health and Genetics/Laboratory Corporation of America, LabCorp and Labcorp Genetics (formerly Invitae), Labcorp); PubMed 30026763 (cited by Women's Health and Genetics/Laboratory Corporation of America, LabCorp and Labcorp Genetics (formerly Invitae), Labcorp); PubMed 31464105 (cited by Labcorp Genetics (formerly Invitae), Labcorp).

NM_000525.4(KCNJ11):c.616C>T (p.Arg206Cys)

Gene: KCNJ11 (potassium inwardly rectifying channel subfamily J member 11; minus strand). Cytogenetic location: 11p15.1.
Variant type: single nucleotide variant.
Coding change: c.616C>T on transcript NM_000525.4 (MANE Select); coding-DNA position 616, C replaced by T.
Protein change: p.Arg206Cys; replaces arginine 206 with cysteine.
Molecular consequence: missense variant.
Genome position (GRCh38, 1-based): chr11:17,387,476, G>A on the plus strand (C>T on the coding strand, the complement: KCNJ11 is on the minus strand). VCF-style: chr11-17387476-G-A. GRCh37 (hg19) VCF-style: chr11-17409023-G-A.
Other names: c.355C>T, p.Arg119Cys (NM_001166290.2, NM_001377296.1, NM_001377297.1); short protein forms R119C, R206C.
Identifiers: ClinVar variation 1338615 (VCV001338615.15), dbSNP rs775204908, ClinGen allele CA5902273.